The following is an entry in ClinVar:

ClinVar aggregate classification (germline): Uncertain significance. Review status: criteria provided, multiple submitters, no conflicts (2 of 4 stars). 2 submissions from 2 submitters: Uncertain significance (2). Last evaluated 2024-03-08.

gnomAD v4.1: 22 of 1,610,210 alleles (0.0014%); highest among the groups gnomAD compares: Non-Finnish European, 0.0018%; no homozygotes.

Submissions (2):

GeneDx
Classification: Uncertain significance. Last evaluated: 2024-03-08. Review status: criteria provided, single submitter. Criteria: GeneDx Variant Classification Process June 2021. Collection method: clinical testing. Allele origin: germline. Affected: yes.
Comment: Not observed at significant frequency in large population cohorts (gnomAD); In silico analysis supports that this missense variant has a deleterious effect on protein structure/function; Has not been previously published as pathogenic or benign to our knowledge

Blueprint Genetics
Classification: Uncertain significance. Last evaluated: 2022-09-02. Review status: criteria provided, single submitter. Criteria: ACMG Guidelines, 2015. Collection method: clinical testing. Allele origin: germline.

NM_000260.4(MYO7A):c.175A>G (p.Met59Val)

Gene: MYO7A (myosin VIIA; plus strand). Cytogenetic location: 11q13.5.
Variant type: single nucleotide variant.
Coding change: c.175A>G on transcript NM_000260.4 (MANE Select); coding-DNA position 175, A replaced by G.
Protein change: p.Met59Val; replaces methionine 59 with valine.
Molecular consequence: missense variant.
Genome position (GRCh38, 1-based): chr11:77,147,840, A>G. VCF-style: chr11-77147840-A-G. GRCh37 (hg19) VCF-style: chr11-76858886-A-G.
Other names: c.175A>G, p.Met59Val (NM_001127180.2); c.142A>G, p.Met48Val (NM_001369365.1); short protein forms M48V, M59V.
Identifiers: ClinVar variation 3373725 (VCV003373725.2).